The following is an entry in ClinVar:

ClinVar aggregate classification (germline): Uncertain significance (1 of 4 stars; one submission).

Conditions:
Mendelian susceptibility to mycobacterial diseases due to complete IL12RB1 deficiency. Also called: IL12RB1 DEFICIENCY; Immunodeficiency 30. Identifiers: Orphanet 319552, MedGen C4013949, MONDO:0013955, OMIM 614891.

Allele frequency attached by ClinVar (database versions not stated): gnomAD exomes 0.00013 and 0.00002; gnomAD 0.00005 and 0.00006; TOPMed 0.00005; ExAC 0.00012.
gnomAD v4.1: 41 of 1,612,522 alleles (0.0025%); highest among the groups gnomAD compares: East Asian, 0.091%; no homozygotes.

Submission:

Labcorp Genetics (formerly Invitae), Labcorp
Classification: Uncertain significance for Mendelian susceptibility to mycobacterial diseases due to complete IL12RB1 deficiency. Last evaluated: 2022-06-01. Review status: criteria provided, single submitter. Criteria: Invitae Variant Classification Sherloc (09022015). Collection method: clinical testing. Allele origin: germline.
Comment: This sequence change replaces histidine, which is basic and polar, with tyrosine, which is neutral and polar, at codon 438 of the IL12RB1 protein (p.His438Tyr). This variant is present in population databases (rs375654921, gnomAD 0.2%). This missense change has been observed in individual(s) with tuberculosis (PMID: 11313259). ClinVar contains an entry for this variant (Variation ID: 858952). Algorithms developed to predict the effect of missense changes on protein structure and function output the following: SIFT: "Tolerated"; PolyPhen-2: "Benign"; Align-GVGD: "Class C0". The tyrosine amino acid residue is found in multiple mammalian species, which suggests that this missense change does not adversely affect protein function. Experimental studies have shown that this missense change does not substantially affect IL12RB1 function (PMID: 16293671). In summary, the available evidence is currently insufficient to determine the role of this variant in disease. Therefore, it has been classified as a Variant of Uncertain Significance.

Literature cited by the submitters: PubMed 11313259; PubMed 16293671.

NM_005535.3(IL12RB1):c.1312C>T (p.His438Tyr)

Gene: IL12RB1 (interleukin 12 receptor subunit beta 1; minus strand). Cytogenetic location: 19p13.11.
Variant type: single nucleotide variant.
Coding change: c.1312C>T on transcript NM_005535.3 (MANE Select); coding-DNA position 1312, C replaced by T.
Protein change: p.His438Tyr; replaces histidine 438 with tyrosine.
Molecular consequence: missense variant.
Genome position (GRCh38, 1-based): chr19:18,068,404, G>A on the plus strand (C>T on the coding strand, the complement: IL12RB1 is on the minus strand). VCF-style: chr19-18068404-G-A. GRCh37 (hg19) VCF-style: chr19-18179214-G-A.
Other names: c.1312C>T, p.His438Tyr (NM_001290023.2); c.1432C>T, p.His478Tyr (NM_001290024.2); short protein forms H438Y, H478Y.
Identifiers: ClinVar variation 858952 (VCV000858952.5), dbSNP rs375654921, ClinGen allele CA9304890.
Genomic context (GRCh38, chr19:18,068,404, plus strand): 5'-TTAAAAAGAAAAAATAATGTAAACCTGCAGGTTTGGGTCACTTACCATTGCCCCCAAAGT[G>A]GTAGGTGGACAGGACCGTAGACCACAAGGTGAGCTTCTCGGGGTGCGCAGAGGCAAAGAT-3'
Protein context (NP_005526.1, residues 428-448): TLWSTVLSTY[His438Tyr]FGGNASAAGT